The following is an entry in ClinVar:

NM_002335.4(LRP5):c.2359G>A (p.Val787Met)

Gene: LRP5 (LDL receptor related protein 5; plus strand). Cytogenetic location: 11q13.2.
Variant type: single nucleotide variant.
Coding change: c.2359G>A on transcript NM_002335.4 (MANE Select); coding-DNA position 2359, G replaced by A.
Protein change: p.Val787Met; replaces valine 787 with methionine.
Molecular consequence: missense variant.
Genome position (GRCh38, 1-based): chr11:68,411,476, G>A. VCF-style: chr11-68411476-G-A. GRCh37 (hg19) VCF-style: chr11-68178944-G-A.
Other names: c.616G>A, p.Val206Met (NM_001291902.2); short protein forms V787M, V206M.
Identifiers: ClinVar variation 970226 (VCV000970226.12), dbSNP rs778567335, ClinGen allele CA6149615.

ClinVar aggregate classification (germline): Uncertain significance. Review status: criteria provided, multiple submitters, no conflicts (2 of 4 stars). 3 submissions from 3 submitters: Uncertain significance (3). Last evaluated 2023-09-13.

Conditions:
LRP5-related disorder. Also called: LRP5-related condition.
Exudative vitreoretinopathy 4 (EVR4). Identifiers: Orphanet 891, MedGen C1866176, MONDO:0011151, OMIM 601813.
Exudative vitreoretinopathy 1 (EVR1). Also called: CRISWICK-SCHEPENS SYNDROME; FEVR, AUTOSOMAL DOMINANT; Familial exudative vitreoretinopathy, autosomal dominant. Identifiers: Orphanet 891, Orphanet 90050, MedGen C1851402, MONDO:0007589, OMIM 133780.
Osteoporosis. Identifiers: MedGen C0029456, MONDO:0005298, OMIM 166710, HP:0000939.
Osteoporosis with pseudoglioma (OPPG). Also called: osteoporosis-pseudoglioma syndrome. Identifiers: Orphanet 2788, MedGen C0432252, MONDO:0009820, OMIM 259770.
Autosomal dominant osteopetrosis 1 (OPTA1). Also called: OSTEOPETROSIS, AUTOSOMAL DOMINANT, TYPE I. Identifiers: Orphanet 2783, MedGen C1843330, MONDO:0011877, OMIM 607634.
Bone mineral density quantitative trait locus 1 (BMND1). Identifiers: MedGen C1866079, OMIM 601884.
Worth disease. Also called: Autosomal dominant osteosclerosis, Worth type; ENDOSTEAL HYPEROSTOSIS, AUTOSOMAL DOMINANT; OSTEOSCLEROSIS, AUTOSOMAL DOMINANT. Identifiers: Orphanet 2790, MedGen C0432273, MONDO:0007764, OMIM 144750.
Polycystic liver disease 4 with or without kidney cysts. Identifiers: MedGen C4693479, MONDO:0044327, OMIM 617875.

Allele frequency attached by ClinVar (database versions not stated): TOPMed below 0.00001.
gnomAD v4.1: 26 of 1,613,166 alleles (0.0016%); highest among the groups gnomAD compares: Middle Eastern, 0.017%; no homozygotes.

Submissions (3):

PreventionGenetics, part of Exact Sciences
Classification: Uncertain significance for LRP5-related condition. Last evaluated: 2023-09-13. Review status: criteria provided, single submitter. Criteria: ACMG Guidelines, 2015. Collection method: clinical testing. Allele origin: germline.
Comment: The LRP5 c.2359G>A variant is predicted to result in the amino acid substitution p.Val787Met. To our knowledge, this variant has not been reported in the literature. This variant is reported in 0.0099% of alleles in individuals of Ashkenazi Jewish descent in gnomAD. At this time, the clinical significance of this variant is uncertain due to the absence of conclusive functional and genetic evidence.

Labcorp Genetics (formerly Invitae), Labcorp
Classification: Uncertain significance. Last evaluated: 2022-03-28. Review status: criteria provided, single submitter. Criteria: Invitae Variant Classification Sherloc (09022015). Collection method: clinical testing. Allele origin: germline.
Comment: In summary, the available evidence is currently insufficient to determine the role of this variant in disease. Therefore, it has been classified as a Variant of Uncertain Significance. Algorithms developed to predict the effect of missense changes on protein structure and function are either unavailable or do not agree on the potential impact of this missense change (SIFT: "Deleterious"; PolyPhen-2: "Possibly Damaging"; Align-GVGD: "Class C15"). ClinVar contains an entry for this variant (Variation ID: 970226). This variant has not been reported in the literature in individuals affected with LRP5-related conditions. This variant is present in population databases (rs778567335, gnomAD 0.01%). This sequence change replaces valine, which is neutral and non-polar, with methionine, which is neutral and non-polar, at codon 787 of the LRP5 protein (p.Val787Met).

Fulgent Genetics
Classification: Uncertain significance for Exudative vitreoretinopathy 1; Worth disease; Osteoporosis; Osteoporosis with pseudoglioma; Exudative vitreoretinopathy 4; Bone mineral density quantitative trait locus 1; Autosomal dominant osteopetrosis 1; Polycystic liver disease 4 with or without kidney cysts. Last evaluated: 2021-11-26. Review status: criteria provided, single submitter. Criteria: ACMG Guidelines, 2015. Collection method: clinical testing. Allele origin: unknown.